The following is an entry in ClinVar:

ClinVar aggregate classification (germline): Likely pathogenic. Review status: criteria provided, multiple submitters, no conflicts (2 of 4 stars). 2 submissions from 2 submitters: Likely pathogenic (2). Last evaluated 2024-06-07.

Conditions:
Mucopolysaccharidosis, MPS-II (MPS2). Also called: IDS deficiency; Sulfoiduronate sulfatase deficiency; SIDS deficiency; Attenuated MPS (subtype; formerly known as mild MPS II); Severe MPS II; I2S deficiency. Identifiers: Orphanet 580, Orphanet 79388, MedGen C0026705, MONDO:0010674, OMIM 309900.

Submissions (2):

Laboratory of Diagnosis and Therapy of Lysosomal Disorders, University of Padova
Classification: Likely pathogenic for Mucopolysaccharidosis, MPS-II. Last evaluated: 2024-06-07. Review status: criteria provided, single submitter. Criteria: ACMG Guidelines, 2015. Collection method: literature only. Allele origin: germline. Affected: yes. Observed: 1 variant allele.
Comment: Absent from controls (or at low frequency) in gnomAD database (PM2_Moderate), Missense variant in a gene with a low rate of benign missense variation (PP2_Supporting), Multiple lines of computational evidence support a deleterious effect (PP3_Supporting), Patient’s phenotype or family history highly specific for the disease (PP4_Strong)

Classification method: ACMG Guidelines [PMID:25741868] with modifications

MGZ Medical Genetics Center
Classification: Likely pathogenic for Mucopolysaccharidosis, MPS-II. Last evaluated: 2022-07-15. Review status: criteria provided, single submitter. Criteria: ACMG Guidelines, 2015. Collection method: clinical testing. Allele origin: germline. Affected: yes. Observed: 2 variant alleles.
Comment: ACMG criteria applied: PM5, PP4_MOD, PM2_SUP, PP3

Literature cited by the submitters: DOI 10.52340/GBMN.2023.01.01.15 (cited by Laboratory of Diagnosis and Therapy of Lysosomal Disorders, University of Padova).

NM_000202.8(IDS):c.322T>G (p.Tyr108Asp)

Gene: IDS (iduronate 2-sulfatase; minus strand). Cytogenetic location: Xq28.
Variant type: single nucleotide variant.
Coding change: c.322T>G on transcript NM_000202.8 (MANE Select); coding-DNA position 322, T replaced by G.
Protein change: p.Tyr108Asp; replaces tyrosine 108 with aspartic acid.
Molecular consequence: missense variant. On other transcripts: non-coding transcript variant (1).
Genome position (GRCh38, 1-based): chrX:149,503,408, A>C on the plus strand (T>G on the coding strand, the complement: IDS is on the minus strand). VCF-style: chrX-149503408-A-C. GRCh37 (hg19) VCF-style: chrX-148584938-A-C.
Other names: c.52T>G, p.Tyr18Asp (NM_001166550.4); c.322T>G, p.Tyr108Asp (NM_006123.5); short protein forms Y108D, Y18D.
Identifiers: ClinVar variation 1709628 (VCV001709628.3), dbSNP rs2520896190, ClinGen allele CA414526359.